The following is an entry in ClinVar:

NM_007194.4(CHEK2):c.1147A>C (p.Thr383Pro)

Gene: CHEK2 (checkpoint kinase 2; minus strand). Cytogenetic location: 22q12.1.
Variant type: single nucleotide variant.
Coding change: c.1147A>C on transcript NM_007194.4 (MANE Select); coding-DNA position 1147, A replaced by C.
Protein change: p.Thr383Pro; replaces threonine 383 with proline.
Molecular consequence: missense variant.
Genome position (GRCh38, 1-based): chr22:28,695,822, T>G on the plus strand (A>C on the coding strand, the complement: CHEK2 is on the minus strand). VCF-style: chr22-28695822-T-G. GRCh37 (hg19) VCF-style: chr22-29091810-T-G.
Other names: c.1276A>C, p.Thr426Pro (NM_001005735.3); c.484A>C, p.Thr162Pro (NM_001257387.3); c.946A>C, p.Thr316Pro (NM_001349956.3); c.1060A>C, p.Thr354Pro (NM_145862.3); short protein forms T354P, T162P, T316P, T426P, T383P.
Identifiers: ClinVar variation 3266952 (VCV003266952.1).
Genomic context (GRCh38, chr22:28,695,822, plus strand): 5'-CAGCAGTCCCAACAGAAACAAGAACTTCAGGCGCCAAGTAGGTGGGGGTTCCACATAAGG[T>G]TCTCATGAGAGAGGTCTCTCCCAAAATCTTGGAGTGCCCAAAATCAGTAATCTAAAATTC-3'
Protein context (NP_009125.1, residues 373-393): KILGETSLMR[Thr383Pro]LCGTPTYLAP

ClinVar aggregate classification (germline): Uncertain significance (1 of 4 stars; one submission).

Conditions:
Hereditary cancer-predisposing syndrome. Also called: Hereditary Cancer Syndrome; Tumor predisposition; Hereditary neoplastic syndrome; Neoplastic Syndromes, Hereditary. Identifiers: Orphanet 140162, MedGen C0027672, MeSH D009386, MONDO:0015356.

Submission:

Ambry Genetics
Classification: Uncertain significance for Hereditary cancer-predisposing syndrome. Last evaluated: 2024-04-01. Review status: criteria provided, single submitter. Criteria: Ambry Variant Classification Scheme 2023. Collection method: clinical testing. Allele origin: germline.
Comment: The p.T383P variant (also known as c.1147A>C), located in coding exon 10 of the CHEK2 gene, results from an A to C substitution at nucleotide position 1147. The threonine at codon 383 is replaced by proline, an amino acid with highly similar properties. This amino acid position is highly conserved in available vertebrate species. In addition, this alteration is predicted to be deleterious by in silico analysis. Based on the available evidence, the clinical significance of this alteration remains unclear.